The following is an entry in ClinVar:

NM_000443.4(ABCB4):c.2123G>A (p.Trp708Ter)

Gene: ABCB4 (ATP binding cassette subfamily B member 4; minus strand). Cytogenetic location: 7q21.12.
Variant type: single nucleotide variant.
Coding change: c.2123G>A on transcript NM_000443.4 (MANE Select); coding-DNA position 2123, G replaced by A.
Protein change: p.Trp708Ter; replaces tryptophan 708 with a stop codon.
Molecular consequence: nonsense.
Genome position (GRCh38, 1-based): chr7:87,423,994, C>T on the plus strand (G>A on the coding strand, the complement: ABCB4 is on the minus strand). VCF-style: chr7-87423994-C-T. GRCh37 (hg19) VCF-style: chr7-87053310-C-T.
Other names: c.2123G>A, p.Trp708Ter (NM_018849.3, NM_018850.3); short protein forms W708*.
Identifiers: ClinVar variation 4846671 (VCV004846671.1).

ClinVar aggregate classification (germline): Pathogenic (1 of 4 stars; one submission).

Conditions:
Familial intrahepatic cholestasis. Identifiers: Orphanet 284385, MedGen CN296401, MONDO:0017290.

Submission:

Genomenon, Inc
Classification: Pathogenic for Familial intrahepatic cholestasis. Last evaluated: 2026-04-14. Review status: criteria provided, single submitter. Criteria: Genomenon Sequence Variant Interpretation Standards - Updated. Collection method: curation. Allele origin: germline. Affected: yes.
Comment: ABCB4 p.Trp708Ter (c.2123G>A) is a nonsense variant that introduces a premature stop codon at amino acid position 708, creating a truncated protein that is predicted to undergo nonsense-mediated mRNA decay. This variant has been observed in at least one proband with an ABCB4-related disorder (PMID:36550572;33546617). It is absent or not present at a significant frequency in gnomAD. In conclusion, we classify ABCB4 p.Trp708Ter (c.2123G>A) as a pathogenic variant.

Literature cited by the submitters: PubMed 36550572; PubMed 33546617.